The following is an entry in ClinVar:

ClinVar aggregate classification (germline): Conflicting classifications of pathogenicity. Review status: criteria provided, conflicting classifications (1 of 4 stars). 5 submissions from 5 submitters: Uncertain significance (4); Likely benign (1). Last evaluated 2026-10-14.

Conditions:
Inborn genetic diseases. Identifiers: MedGen C0950123, MeSH D030342.

Allele frequency attached by ClinVar (database versions not stated): TOPMed 0.00003; 1000 Genomes Project 0.00080; ESP Exome Variant Server 0.00015; gnomAD 0.00022.
gnomAD v4.1: 116 of 1,613,996 alleles (0.0072%); highest among the groups gnomAD compares: South Asian, 0.1%; 1 homozygote.

Submissions (5):

GeneDx
Classification: Uncertain significance. Last evaluated: 2026-10-14. Review status: criteria provided, single submitter. Criteria: GeneDx Variant Classification Process June 2021. Collection method: clinical testing. Allele origin: germline.
Comment: Has not been previously published as pathogenic or benign to our knowledge; In silico analysis suggests that this missense variant does not alter protein structure/function

Labcorp Genetics (formerly Invitae), Labcorp
Classification: Likely benign. Last evaluated: 2025-09-22. Review status: criteria provided, single submitter. Criteria: Invitae Variant Classification Sherloc (09022015). Collection method: clinical testing. Allele origin: germline.

Athena Diagnostics
Classification: Uncertain significance. Last evaluated: 2024-01-26. Review status: criteria provided, single submitter. Criteria: Athena Diagnostics Criteria. Collection method: clinical testing. Allele origin: unknown.
Comment: Available data are insufficient to determine the clinical significance of the variant at this time. The frequency of this variant in the general population is uninformative in assessment of its pathogenicity. Computational tools predict that this variant is not damaging.

Blueprint Genetics
Classification: Uncertain significance. Last evaluated: 2022-08-23. Review status: criteria provided, single submitter. Criteria: ACMG Guidelines, 2015. Collection method: clinical testing. Allele origin: germline.

Ambry Genetics
Classification: Uncertain significance for Inborn genetic diseases. Last evaluated: 2021-06-18. Review status: criteria provided, single submitter. Criteria: Ambry Variant Classification Scheme 2023. Collection method: clinical testing. Allele origin: germline.

NM_020247.5(COQ8A):c.1900G>A (p.Glu634Lys)

Gene: COQ8A (coenzyme Q8A; plus strand). Cytogenetic location: 1q42.13.
Variant type: single nucleotide variant.
Coding change: c.1900G>A on transcript NM_020247.5 (MANE Select); coding-DNA position 1900, G replaced by A.
Protein change: p.Glu634Lys; replaces glutamic acid 634 with lysine.
Molecular consequence: missense variant.
Genome position (GRCh38, 1-based): chr1:226,986,693, G>A. VCF-style: chr1-226986693-G-A. GRCh37 (hg19) VCF-style: chr1-227174394-G-A.
Other names: p.E634K:GAG>AAG; short protein forms E634K.
Identifiers: ClinVar variation 214045 (VCV000214045.11), dbSNP rs149335528, ClinGen allele CA324100.
Genomic context (GRCh38, chr1:226,986,693, plus strand): 5'-GGGGGCTCCTTCCTCATCTGCTCCAAGCTGAAGGCCCGCTTCCCCTGCAAGGCCATGTTC[G>A]AGGAGGCCTACAGCAACTACTGCAAGAGGCAGGCCCAGCAGTAGGGCTGCGGGCCACGCC-3'
Protein context (NP_064632.2, residues 624-644): KARFPCKAMF[Glu634Lys]EAYSNYCKRQ